The following is an entry in ClinVar:

NM_001354604.2(MITF):c.1388C>A (p.Thr463Asn)

Gene: MITF (melanocyte inducing transcription factor; plus strand). Cytogenetic location: 3p13.
Variant type: single nucleotide variant.
Coding change: c.1388C>A on transcript NM_001354604.2 (MANE Select); coding-DNA position 1388, C replaced by A.
Protein change: p.Thr463Asn; replaces threonine 463 with asparagine.
Molecular consequence: missense variant.
Genome position (GRCh38, 1-based): chr3:69,965,055, C>A. VCF-style: chr3-69965055-C-A. GRCh37 (hg19) VCF-style: chr3-70014206-C-A.
Other names: c.1067C>A, p.Thr356Asn (NM_000248.4); c.1214C>A, p.Thr405Asn (NM_001184967.2, NM_001354608.2); c.1385C>A, p.Thr462Asn (NM_001354605.2); c.1367C>A, p.Thr456Asn (NM_001354606.2, NM_006722.3); c.1319C>A, p.Thr440Asn (NM_001354607.2); c.1049C>A, p.Thr350Asn (NM_198158.3); c.1370C>A, p.Thr457Asn (NM_198159.3); c.1322C>A, p.Thr441Asn (NM_198177.3); and 1 more; short protein forms T294N, T350N, T356N, T405N, T440N, T441N, T456N, T457N.
Identifiers: ClinVar variation 1197613 (VCV001197613.10), dbSNP rs560808156, ClinGen allele CA2490655.

ClinVar aggregate classification (germline): Conflicting classifications of pathogenicity. Review status: criteria provided, conflicting classifications (1 of 4 stars). 5 submissions from 5 submitters: Uncertain significance (1); Likely benign (3). 1 of the submissions does not count toward it. Last evaluated 2026-02-04.

Conditions:
MITF-related disorder. Also called: MITF-related condition.
Tietz syndrome (TADS). Also called: HYPOPIGMENTATION/DEAFNESS OF TIETZ; ALBINISM-DEAFNESS OF TIETZ; TIETZ ALBINISM-DEAFNESS SYNDROME. Identifiers: Orphanet 42665, MedGen C0391816, MONDO:0007077, OMIM 103500.
Waardenburg syndrome type 2A (WS2A). Also called: WAARDENBURG SYNDROME WITHOUT DYSTOPIA CANTHORUM. Identifiers: Orphanet 3440, MedGen C1860339, MONDO:0008671, OMIM 193510.
Melanoma, cutaneous malignant, susceptibility to, 8. Also called: Cutaneous malignant melanoma 8; MELANOMA AND RENAL CELL CARCINOMA, SUSCEPTIBILITY TO. Identifiers: Orphanet 293822, MedGen C3152204, MONDO:0013759, OMIM 614456.
Coloboma, osteopetrosis, microphthalmia, macrocephaly, albinism, and deafness (COMMAD). Also called: COMMAD syndrome. Identifiers: Orphanet 603494, MedGen C4310625, MONDO:0015014, OMIM 617306.
Hereditary cancer-predisposing syndrome. Also called: Neoplastic Syndromes, Hereditary; Hereditary neoplastic syndrome; Hereditary Cancer Syndrome; Tumor predisposition. Identifiers: Orphanet 140162, MedGen C0027672, MeSH D009386, MONDO:0015356.

Allele frequency attached by ClinVar (database versions not stated): ExAC 0.00028; gnomAD exomes 0.00029; 1000 Genomes Project 30x 0.00078; 1000 Genomes Project 0.00080.
gnomAD v4.1: 208 of 1,614,152 alleles (0.013%); highest among the groups gnomAD compares: South Asian, 0.2%; 3 homozygotes.

Submissions (5):

Labcorp Genetics (formerly Invitae), Labcorp
Classification: Likely benign for Melanoma, cutaneous malignant, susceptibility to, 8; Waardenburg syndrome type 2A; Tietz syndrome. Last evaluated: 2026-02-04. Review status: criteria provided, single submitter. Criteria: Invitae Variant Classification Sherloc (09022015). Collection method: clinical testing. Allele origin: germline.

Ambry Genetics
Classification: Uncertain significance for Hereditary cancer-predisposing syndrome. Last evaluated: 2024-11-20. Review status: criteria provided, single submitter. Criteria: Ambry Variant Classification Scheme 2023. Collection method: clinical testing. Allele origin: germline.
Comment: The p.T356N variant (also known as c.1067C>A), located in coding exon 9 of the MITF gene, results from a C to A substitution at nucleotide position 1067. The threonine at codon 356 is replaced by asparagine, an amino acid with similar properties. This amino acid position is conserved. In addition, this alteration is predicted to be tolerated by in silico analysis. Based on the available evidence, the clinical significance of this variant remains unclear.

Department of Pathology and Laboratory Medicine, Sinai Health System
Classification: Likely benign for Tietz syndrome; Waardenburg syndrome type 2A; Melanoma, cutaneous malignant, susceptibility to, 8; Coloboma, osteopetrosis, microphthalmia, macrocephaly, albinism, and deafness. Last evaluated: 2024-01-02. Review status: criteria provided, single submitter. Criteria: ACMG Guidelines, 2015. Collection method: clinical testing. Allele origin: germline. Affected: yes.

GeneDx
Classification: Likely benign. Last evaluated: 2020-12-15. Review status: criteria provided, single submitter. Criteria: GeneDx Variant Classification Process June 2021. Collection method: clinical testing. Allele origin: germline. Affected: yes.
Comment: In silico analysis supports that this missense variant does not alter protein structure/function; Has not been previously published as pathogenic or benign to our knowledge

PreventionGenetics, part of Exact Sciences
Classification: Likely benign for MITF-related condition. Last evaluated: 2024-08-21. Review status: no assertion criteria provided. Collection method: clinical testing. Allele origin: germline. Not counted in ClinVar's aggregate classification.
Comment: This variant is classified as likely benign based on ACMG/AMP sequence variant interpretation guidelines (Richards et al. 2015 PMID: 25741868, with internal and published modifications).